The following is an entry in ClinVar:

NM_001401501.2(MUC16):c.5751C>T (p.Asn1917=)

Gene: MUC16 (mucin 16, cell surface associated; minus strand). Cytogenetic location: 19p13.2.
Variant type: single nucleotide variant.
Coding change: c.5751C>T on transcript NM_001401501.2 (MANE Select); coding-DNA position 5751, C replaced by T.
Protein change: p.Asn1917=; no amino-acid change (asparagine 1917 retained).
Molecular consequence: synonymous variant.
Genome position (GRCh38, 1-based): chr19:8,975,508, G>A on the plus strand (C>T on the coding strand, the complement: MUC16 is on the minus strand). VCF-style: chr19-8975508-G-A. GRCh37 (hg19) VCF-style: chr19-9086184-G-A.
Other names: c.6177C>T, p.Asn2059= (NM_001414686.1); c.5631C>T, p.Asn1877= (NM_001414687.1, NM_024690.2).
Identifiers: ClinVar variation 3060125 (VCV003060125.2), dbSNP rs74999347, ClinGen allele CA9172593.

ClinVar aggregate classification (germline): Benign (0 of 4 stars; one submission).

Conditions:
MUC16-related disorder. Also called: MUC16-related condition.

Allele frequency attached by ClinVar (database versions not stated): 1000 Genomes Project 30x 0.02233; 1000 Genomes Project 0.02276; ExAC 0.04500; TOPMed 0.04641; gnomAD 0.04796; ESP Exome Variant Server 0.05745.

Submission:

PreventionGenetics, part of Exact Sciences
Classification: Benign for MUC16-related condition. Last evaluated: 2019-04-08. Review status: no assertion criteria provided. Collection method: clinical testing. Allele origin: germline.
Comment: This variant is classified as benign based on ACMG/AMP sequence variant interpretation guidelines (Richards et al. 2015 PMID: 25741868, with internal and published modifications).